The following is an entry in ClinVar:

ClinVar aggregate classification (germline): Uncertain significance (1 of 4 stars; one submission).

Conditions:
Hereditary cancer-predisposing syndrome. Also called: Hereditary neoplastic syndrome; Neoplastic Syndromes, Hereditary; Tumor predisposition; Hereditary Cancer Syndrome. Identifiers: Orphanet 140162, MedGen C0027672, MeSH D009386, MONDO:0015356.

Submission:

Labcorp Genetics (formerly Invitae), Labcorp
Classification: Uncertain significance for Hereditary cancer-predisposing syndrome. Last evaluated: 2022-02-17. Review status: criteria provided, single submitter. Criteria: Invitae Variant Classification Sherloc (09022015). Collection method: clinical testing. Allele origin: germline.
Comment: Algorithms developed to predict the effect of missense changes on protein structure and function output the following: SIFT: "Tolerated"; PolyPhen-2: "Benign"; Align-GVGD: "Class C0". The isoleucine amino acid residue is found in multiple mammalian species, which suggests that this missense change does not adversely affect protein function. This variant has not been reported in the literature in individuals affected with RAD50-related conditions. This variant is not present in population databases (gnomAD no frequency). This sequence change replaces threonine, which is neutral and polar, with isoleucine, which is neutral and non-polar, at codon 121 of the RAD50 protein (p.Thr121Ile). Algorithms developed to predict the effect of sequence changes on RNA splicing suggest that this variant is not likely to affect RNA splicing. In summary, the available evidence is currently insufficient to determine the role of this variant in disease. Therefore, it has been classified as a Variant of Uncertain Significance.

NM_005732.4(RAD50):c.362C>T (p.Thr121Ile)

Gene: RAD50 (RAD50 double strand break repair protein; plus strand). Cytogenetic location: 5q31.1.
Variant type: single nucleotide variant.
Coding change: c.362C>T on transcript NM_005732.4 (MANE Select); coding-DNA position 362, C replaced by T.
Protein change: p.Thr121Ile; replaces threonine 121 with isoleucine.
Molecular consequence: missense variant.
Genome position (GRCh38, 1-based): chr5:132,575,925, C>T. VCF-style: chr5-132575925-C-T. GRCh37 (hg19) VCF-style: chr5-131911617-C-T.
Other names: short protein forms T121I.
Identifiers: ClinVar variation 2098030 (VCV002098030.4), dbSNP rs2479608540, ClinGen allele CA360931503.